The following is an entry in ClinVar:

NM_014845.6(FIG4):c.1120A>G (p.Ile374Val)

Gene: FIG4 (FIG4 phosphoinositide 5-phosphatase; plus strand). Cytogenetic location: 6q21.
Variant type: single nucleotide variant.
Coding change: c.1120A>G on transcript NM_014845.6 (MANE Select); coding-DNA position 1120, A replaced by G.
Protein change: p.Ile374Val; replaces isoleucine 374 with valine.
Molecular consequence: missense variant.
Genome position (GRCh38, 1-based): chr6:109,743,755, A>G. VCF-style: chr6-109743755-A-G. GRCh37 (hg19) VCF-style: chr6-110064958-A-G.
Other names: short protein forms I374V.
Identifiers: ClinVar variation 2223966 (VCV002223966.3), dbSNP rs753971119, ClinGen allele CA3955989.

ClinVar aggregate classification (germline): Uncertain significance. Review status: criteria provided, multiple submitters, no conflicts (2 of 4 stars). 2 submissions from 2 submitters: Uncertain significance (2). Last evaluated 2026-08-10.

Conditions:
FIG4-related disorder. Also called: FIG4-related disorders; FIG4-related condition.
Inborn genetic diseases. Identifiers: MedGen C0950123, MeSH D030342.

Allele frequency attached by ClinVar (database versions not stated): gnomAD exomes below 0.00001; ExAC 0.00002; gnomAD 0.00005; TOPMed 0.00006.
gnomAD v4.1: 9 of 1,611,954 alleles (0.00056%); highest among the groups gnomAD compares: African/African-American, 0.012%; no homozygotes.

Submissions (2):

PreventionGenetics, part of Exact Sciences
Classification: Uncertain significance for FIG4-related condition. Last evaluated: 2026-08-10. Review status: criteria provided, single submitter. Criteria: ACMG Guidelines, 2015. Collection method: clinical testing. Allele origin: germline.
Comment: The FIG4 c.1120A>G variant is predicted to result in the amino acid substitution p.Ile374Val. To our knowledge, this variant has not been reported in the literature. This variant is reported in 0.032% of alleles in individuals of African descent in gnomAD. At this time, the clinical significance of this variant is uncertain due to the absence of conclusive functional and genetic evidence.

Ambry Genetics
Classification: Uncertain significance for Inborn genetic diseases. Last evaluated: 2022-05-06. Review status: criteria provided, single submitter. Criteria: Ambry Variant Classification Scheme 2023. Collection method: clinical testing. Allele origin: germline.